The following is an entry in ClinVar:

ClinVar aggregate classification (germline): Uncertain significance. Review status: criteria provided, multiple submitters, no conflicts (2 of 4 stars). 2 submissions from 2 submitters: Uncertain significance (2). Last evaluated 2024-12-22.

Conditions:
Hereditary cancer-predisposing syndrome. Also called: Hereditary Cancer Syndrome; Tumor predisposition; Hereditary neoplastic syndrome; Neoplastic Syndromes, Hereditary. Identifiers: Orphanet 140162, MedGen C0027672, MeSH D009386, MONDO:0015356.

Allele frequency attached by ClinVar (database versions not stated): gnomAD exomes below 0.00001; TOPMed 0.00001.
gnomAD v4.1: 2 of 1,608,160 alleles (0.00012%); highest among the groups gnomAD compares: East Asian, 0.0022%; no homozygotes.

Submissions (2):

Labcorp Genetics (formerly Invitae), Labcorp
Classification: Uncertain significance. Last evaluated: 2024-12-22. Review status: criteria provided, single submitter. Criteria: Invitae Variant Classification Sherloc (09022015). Collection method: clinical testing. Allele origin: germline.
Comment: This sequence change replaces valine, which is neutral and non-polar, with aspartic acid, which is acidic and polar, at codon 800 of the MSH3 protein (p.Val800Asp). This variant is not present in population databases (gnomAD no frequency). This variant has not been reported in the literature in individuals affected with MSH3-related conditions. ClinVar contains an entry for this variant (Variation ID: 1053897). An algorithm developed to predict the effect of missense changes on protein structure and function (PolyPhen-2) suggests that this variant is likely to be tolerated. In summary, the available evidence is currently insufficient to determine the role of this variant in disease. Therefore, it has been classified as a Variant of Uncertain Significance.

Ambry Genetics
Classification: Uncertain significance for Hereditary cancer-predisposing syndrome. Last evaluated: 2022-02-03. Review status: criteria provided, single submitter. Criteria: Ambry Variant Classification Scheme 2023. Collection method: clinical testing. Allele origin: germline.
Comment: The p.V800D variant (also known as c.2399T>A), located in coding exon 17 of the MSH3 gene, results from a T to A substitution at nucleotide position 2399. The valine at codon 800 is replaced by aspartic acid, an amino acid with highly dissimilar properties. This amino acid position is conserved. In addition, the in silico prediction for this alteration is inconclusive. Since supporting evidence is limited at this time, the clinical significance of this alteration remains unclear.

NM_002439.5(MSH3):c.2399T>A (p.Val800Asp)

Gene: MSH3 (mutS homolog 3; plus strand). Cytogenetic location: 5q14.1.
Variant type: single nucleotide variant.
Coding change: c.2399T>A on transcript NM_002439.5 (MANE Select); coding-DNA position 2399, T replaced by A.
Protein change: p.Val800Asp; replaces valine 800 with aspartic acid.
Molecular consequence: missense variant.
Genome position (GRCh38, 1-based): chr5:80,778,800, T>A. VCF-style: chr5-80778800-T-A. GRCh37 (hg19) VCF-style: chr5-80074619-T-A.
Other names: short protein forms V800D.
Identifiers: ClinVar variation 1053897 (VCV001053897.11), dbSNP rs1443981877, ClinGen allele CA360281862.